The following is an entry in ClinVar:

ClinVar aggregate classification (germline): Uncertain significance (1 of 4 stars; one submission).

Submission:

GeneDx
Classification: Uncertain significance. Last evaluated: 2024-07-12. Review status: criteria provided, single submitter. Criteria: GeneDx Variant Classification Process June 2021. Collection method: clinical testing. Allele origin: germline. Affected: yes.
Comment: Not observed at significant frequency in large population cohorts (gnomAD); In silico analysis supports that this missense variant has a deleterious effect on protein structure/function; Has not been previously published as pathogenic or benign to our knowledge

NM_001005273.3(CHD3):c.5303A>T (p.Gln1768Leu)

Gene: CHD3 (chromodomain helicase DNA binding protein 3; plus strand). Cytogenetic location: 17p13.1.
Variant type: single nucleotide variant.
Coding change: c.5303A>T on transcript NM_001005273.3 (MANE Select); coding-DNA position 5303, A replaced by T.
Protein change: p.Gln1768Leu; replaces glutamine 1768 with leucine.
Molecular consequence: missense variant.
Genome position (GRCh38, 1-based): chr17:7,908,738, A>T. VCF-style: chr17-7908738-A-T. GRCh37 (hg19) VCF-style: chr17-7812056-A-T.
Other names: c.5480A>T, p.Gln1827Leu (NM_001005271.3); c.5201A>T, p.Gln1734Leu (NM_005852.4); short protein forms Q1827L, Q1768L, Q1734L.
Identifiers: ClinVar variation 3572431 (VCV003572431.1).